The following is an entry in ClinVar:

NM_001159773.2(CANT1):c.252C>T (p.Ala84=)

Gene: CANT1 (calcium activated nucleotidase 1; minus strand). Cytogenetic location: 17q25.3.
Variant type: single nucleotide variant.
Coding change: c.252C>T on transcript NM_001159773.2 (MANE Select); coding-DNA position 252, C replaced by T.
Protein change: p.Ala84=; no amino-acid change (alanine 84 retained).
Molecular consequence: synonymous variant.
Genome position (GRCh38, 1-based): chr17:78,997,371, G>A on the plus strand (C>T on the coding strand, the complement: CANT1 is on the minus strand). VCF-style: chr17-78997371-G-A. GRCh37 (hg19) VCF-style: chr17-76993453-G-A.
Other names: c.252C>T, p.Ala84= (NM_001159772.2, NM_138793.4).
Identifiers: ClinVar variation 1942912 (VCV001942912.5), dbSNP rs759923329, ClinGen allele CA8808778.

ClinVar aggregate classification (germline): Uncertain significance (1 of 4 stars; one submission).

Allele frequency attached by ClinVar (database versions not stated): gnomAD exomes below 0.00001; TOPMed below 0.00001; ExAC 0.00001.
gnomAD v4.1: 1 of 1,614,000 alleles (0.000062%); highest among the groups gnomAD compares: Admixed American, 0.0017%; no homozygotes.

Submission:

Labcorp Genetics (formerly Invitae), Labcorp
Classification: Uncertain significance. Last evaluated: 2022-07-07. Review status: criteria provided, single submitter. Criteria: Invitae Variant Classification Sherloc (09022015). Collection method: clinical testing. Allele origin: germline.
Comment: This variant has not been reported in the literature in individuals affected with CANT1-related conditions. In summary, the available evidence is currently insufficient to determine the role of this variant in disease. Therefore, it has been classified as a Variant of Uncertain Significance. Algorithms developed to predict the effect of sequence changes on RNA splicing suggest that this variant may create or strengthen a splice site. This variant is present in population databases (rs759923329, gnomAD 0.003%). This sequence change affects codon 84 of the CANT1 mRNA. It is a 'silent' change, meaning that it does not change the encoded amino acid sequence of the CANT1 protein.